The following is an entry in ClinVar:

NM_016417.3(GLRX5):c.187G>A (p.Glu63Lys)

Gene: GLRX5 (glutaredoxin 5; plus strand). Cytogenetic location: 14q32.13.
Variant type: single nucleotide variant.
Coding change: c.187G>A on transcript NM_016417.3 (MANE Select); coding-DNA position 187, G replaced by A.
Protein change: p.Glu63Lys; replaces glutamic acid 63 with lysine.
Molecular consequence: missense variant.
Genome position (GRCh38, 1-based): chr14:95,535,276, G>A. VCF-style: chr14-95535276-G-A. GRCh37 (hg19) VCF-style: chr14-96001613-G-A.
Other names: short protein forms E63K.
Identifiers: ClinVar variation 2901369 (VCV002901369.3), dbSNP rs1399732705, ClinGen allele CA390896487.

ClinVar aggregate classification (germline): Uncertain significance (1 of 4 stars; one submission).

Allele frequency attached by ClinVar (database versions not stated): gnomAD exomes 0.00001.
gnomAD v4.1: 6 of 1,570,328 alleles (0.00038%); highest among the groups gnomAD compares: Admixed American, 0.0077%; no homozygotes.

Submission:

Labcorp Genetics (formerly Invitae), Labcorp
Classification: Uncertain significance. Last evaluated: 2023-01-24. Review status: criteria provided, single submitter. Criteria: Invitae Variant Classification Sherloc (09022015). Collection method: clinical testing. Allele origin: germline.
Comment: This variant has not been reported in the literature in individuals affected with GLRX5-related conditions. Algorithms developed to predict the effect of missense changes on protein structure and function (SIFT, PolyPhen-2, Align-GVGD) all suggest that this variant is likely to be tolerated. In summary, the available evidence is currently insufficient to determine the role of this variant in disease. Therefore, it has been classified as a Variant of Uncertain Significance. The frequency data for this variant in the population databases is considered unreliable, as metrics indicate poor data quality at this position in the gnomAD database. This sequence change replaces glutamic acid, which is acidic and polar, with lysine, which is basic and polar, at codon 63 of the GLRX5 protein (p.Glu63Lys).